The following is an entry in ClinVar:

ClinVar aggregate classification (germline): Uncertain significance (1 of 4 stars; one submission).

Submission:

Labcorp Genetics (formerly Invitae), Labcorp
Classification: Uncertain significance. Last evaluated: 2022-08-16. Review status: criteria provided, single submitter. Criteria: Invitae Variant Classification Sherloc (09022015). Collection method: clinical testing. Allele origin: germline.
Comment: In summary, the available evidence is currently insufficient to determine the role of this variant in disease. Therefore, it has been classified as a Variant of Uncertain Significance. This sequence change replaces threonine, which is neutral and polar, with lysine, which is basic and polar, at codon 287 of the ABCG8 protein (p.Thr287Lys). This variant is not present in population databases (gnomAD no frequency). This variant has not been reported in the literature in individuals affected with ABCG8-related conditions. Algorithms developed to predict the effect of missense changes on protein structure and function are either unavailable or do not agree on the potential impact of this missense change (SIFT: "Deleterious"; PolyPhen-2: "Possibly Damaging"; Align-GVGD: "Class C15").

NM_022437.3(ABCG8):c.860C>A (p.Thr287Lys)

Gene: ABCG8 (ATP binding cassette subfamily G member 8; plus strand). Cytogenetic location: 2p21.
Variant type: single nucleotide variant.
Coding change: c.860C>A on transcript NM_022437.3 (MANE Select); coding-DNA position 860, C replaced by A.
Protein change: p.Thr287Lys; replaces threonine 287 with lysine.
Molecular consequence: missense variant.
Genome position (GRCh38, 1-based): chr2:43,852,764, C>A. VCF-style: chr2-43852764-C-A. GRCh37 (hg19) VCF-style: chr2-44079903-C-A.
Other names: c.860C>A, p.Thr287Lys (NM_001357321.2); short protein forms T287K.
Identifiers: ClinVar variation 1922784 (VCV001922784.5), dbSNP rs201133496, ClinGen allele CA346666824.